The following is an entry in ClinVar:

ClinVar aggregate classification (germline): Uncertain significance (1 of 4 stars; one submission).

Conditions:
GRAP-related disorder. Also called: GRAP-related condition.

Submission:

PreventionGenetics, part of Exact Sciences
Classification: Uncertain significance for GRAP-related condition. Last evaluated: 2025-11-30. Review status: criteria provided, single submitter. Criteria: ACMG Guidelines, 2015. Collection method: clinical testing. Allele origin: germline.
Comment: The GRAP c.446G>A variant is predicted to result in the amino acid substitution p.Arg149His. To our knowledge, this variant has not been reported in the literature. This variant is reported in 0.0073% of alleles in individuals of South Asian descent in gnomAD. At this time, the clinical significance of this variant is uncertain due to the absence of conclusive functional and genetic evidence.

NM_006613.4(GRAP):c.446G>A (p.Arg149His)

Gene: GRAP (GRB2 related adaptor protein; minus strand). Cytogenetic location: 17p11.2.
Variant type: single nucleotide variant.
Coding change: c.446G>A on transcript NM_006613.4 (MANE Select); coding-DNA position 446, G replaced by A.
Protein change: p.Arg149His; replaces arginine 149 with histidine.
Molecular consequence: missense variant. On other transcripts: intron variant (1).
Genome position (GRCh38, 1-based): chr17:19,024,237, C>T on the plus strand (G>A on the coding strand, the complement: GRAP is on the minus strand). VCF-style: chr17-19024237-C-T. GRCh37 (hg19) VCF-style: chr17-18927550-C-T.
Other names: c.300-2093G>A (NM_001330148.2); short protein forms R149H.
Identifiers: ClinVar variation 4987605 (VCV004987605.1).